The following is an entry in ClinVar:

NM_032608.7(MYO18B):c.3281T>C (p.Val1094Ala)

Gene: MYO18B (myosin XVIIIB; plus strand). Cytogenetic location: 22q12.1.
Variant type: single nucleotide variant.
Coding change: c.3281T>C on transcript NM_032608.7 (MANE Select); coding-DNA position 3281, T replaced by C.
Protein change: p.Val1094Ala; replaces valine 1094 with alanine.
Molecular consequence: missense variant.
Genome position (GRCh38, 1-based): chr22:25,843,807, T>C. VCF-style: chr22-25843807-T-C. GRCh37 (hg19) VCF-style: chr22-26239774-T-C.
Other names: c.3284T>C, p.Val1095Ala (NM_001318245.2); c.3281T>C (NM_032608.5); short protein forms V1094A, V1095A.
Identifiers: ClinVar variation 1382241 (VCV001382241.6), dbSNP rs374869117, ClinGen allele CA10160512.
Genomic context (GRCh38, chr22:25,843,807, plus strand): 5'-TGCGGACCTGTGAGCAGCCCCTCCAGTGTGAGATTTTCCACCAGTTGGGATGGGACCCTG[T>C]GCGGTACGACCTCACGGGCTGGCTCCACAGAGCCAAGCCCAACCTCTCGGCCCTGGATGC-3'
Protein context (NP_115997.5, residues 1084-1104): EIFHQLGWDP[Val1094Ala]RYDLTGWLHR

ClinVar aggregate classification (germline): Uncertain significance. Review status: criteria provided, multiple submitters, no conflicts (2 of 4 stars). 2 submissions from 2 submitters: Uncertain significance (2). Last evaluated 2025-11-19.

Conditions:
Inborn genetic diseases. Identifiers: MedGen C0950123, MeSH D030342.

Allele frequency attached by ClinVar (database versions not stated): ExAC 0.00002; 1000 Genomes Project 0.00020; gnomAD exomes 0.00001 and 0.00002; 1000 Genomes Project 30x 0.00016; gnomAD 0.00001; ESP Exome Variant Server 0.00008.
gnomAD v4.1: 10 of 1,613,874 alleles (0.00062%); highest among the groups gnomAD compares: East Asian, 0.0022%; no homozygotes.

Submissions (2):

Ambry Genetics
Classification: Uncertain significance for Inborn genetic diseases. Last evaluated: 2025-11-19. Review status: criteria provided, single submitter. Criteria: Ambry Variant Classification Scheme 2023. Collection method: clinical testing. Allele origin: germline.

Labcorp Genetics (formerly Invitae), Labcorp
Classification: Uncertain significance. Last evaluated: 2021-09-05. Review status: criteria provided, single submitter. Criteria: Invitae Variant Classification Sherloc (09022015). Collection method: clinical testing. Allele origin: germline.
Comment: This sequence change replaces valine with alanine at codon 1094 of the MYO18B protein (p.Val1094Ala). The valine residue is highly conserved and there is a small physicochemical difference between valine and alanine. This variant is present in population databases (rs374869117, ExAC 0.01%). This variant has not been reported in the literature in individuals affected with MYO18B-related conditions. Algorithms developed to predict the effect of missense changes on protein structure and function are either unavailable or do not agree on the potential impact of this missense change (SIFT: "Not Available"; PolyPhen-2: "Probably Damaging"; Align-GVGD: "Not Available"). In summary, the available evidence is currently insufficient to determine the role of this variant in disease. Therefore, it has been classified as a Variant of Uncertain Significance.